The following is an entry in ClinVar:

NM_015272.5(RPGRIP1L):c.345G>C (p.Leu115=)

Gene: RPGRIP1L (RPGRIP1 like; minus strand). Cytogenetic location: 16q12.2.
Variant type: single nucleotide variant.
Coding change: c.345G>C on transcript NM_015272.5 (MANE Select); coding-DNA position 345, G replaced by C.
Protein change: p.Leu115=; no amino-acid change (leucine 115 retained).
Molecular consequence: synonymous variant.
Genome position (GRCh38, 1-based): chr16:53,692,250, C>G on the plus strand (G>C on the coding strand, the complement: RPGRIP1L is on the minus strand). VCF-style: chr16-53692250-C-G. GRCh37 (hg19) VCF-style: chr16-53726162-C-G.
Other names: c.345G>C, p.Leu115= (NM_001127897.4, NM_001308334.3, NM_001330538.2).
Identifiers: ClinVar variation 3351686 (VCV003351686.2).

ClinVar aggregate classification (germline): Likely benign. Review status: criteria provided, single submitter (1 of 4 stars). 2 submissions from 2 submitters: Likely benign (1). 1 of the submissions does not count toward it. Last evaluated 2021-09-21.

Conditions:
RPGRIP1L-related disorder. Also called: RPGRIP1L-related condition; RPGRIP1L-related disorders. Identifiers: MedGen CN239416.

gnomAD v4.1: 17 of 1,614,054 alleles (0.0011%); highest among the groups gnomAD compares: African/African-American, 0.0013%; no homozygotes.

Submissions (2):

Blueprint Genetics
Classification: Likely benign. Last evaluated: 2021-09-21. Review status: criteria provided, single submitter. Criteria: ACMG Guidelines, 2015. Collection method: clinical testing. Allele origin: germline.

PreventionGenetics, part of Exact Sciences
Classification: Likely benign for RPGRIP1L-related condition. Last evaluated: 2022-01-18. Review status: no assertion criteria provided. Collection method: clinical testing. Allele origin: germline. Not counted in ClinVar's aggregate classification.
Comment: This variant is classified as likely benign based on ACMG/AMP sequence variant interpretation guidelines (Richards et al. 2015 PMID: 25741868, with internal and published modifications).